The following is an entry in ClinVar:

ClinVar aggregate classification (germline): Uncertain significance (1 of 4 stars; one submission).

Allele frequency attached by ClinVar (database versions not stated): TOPMed 0.00001; 1000 Genomes Project 0.00020; 1000 Genomes Project 30x 0.00031; ExAC 0.00001; gnomAD 0.00001; gnomAD exomes 0.00001.
gnomAD v4.1: 13 of 1,611,554 alleles (0.00081%); highest among the groups gnomAD compares: African/African-American, 0.0027%; no homozygotes.

Submission:

Labcorp Genetics (formerly Invitae), Labcorp
Classification: Uncertain significance. Last evaluated: 2024-02-24. Review status: criteria provided, single submitter. Criteria: Invitae Variant Classification Sherloc (09022015). Collection method: clinical testing. Allele origin: germline.
Comment: This sequence change falls in intron 8 of the RTN4IP1 gene. It does not directly change the encoded amino acid sequence of the RTN4IP1 protein. It affects a nucleotide within the consensus splice site. This variant is present in population databases (rs116072691, gnomAD 0.007%). This variant has not been reported in the literature in individuals affected with RTN4IP1-related conditions. ClinVar contains an entry for this variant (Variation ID: 1915184). Variants that disrupt the consensus splice site are a relatively common cause of aberrant splicing (PMID: 17576681, 9536098). Algorithms developed to predict the effect of sequence changes on RNA splicing suggest that this variant is not likely to affect RNA splicing. In summary, the available evidence is currently insufficient to determine the role of this variant in disease. Therefore, it has been classified as a Variant of Uncertain Significance.

Literature cited by the submitters: PubMed 17576681; PubMed 9536098.

NM_032730.5(RTN4IP1):c.1083+4C>T

Gene: RTN4IP1 (reticulon 4 interacting protein 1; minus strand). Cytogenetic location: 6q21.
Variant type: single nucleotide variant.
Coding change: c.1083+4C>T on transcript NM_032730.5 (MANE Select); 4 bases into the intron after coding-DNA position 1083, C replaced by T.
Molecular consequence: intron variant.
Genome position (GRCh38, 1-based): chr6:106,583,324, G>A on the plus strand (C>T on the coding strand, the complement: RTN4IP1 is on the minus strand). VCF-style: chr6-106583324-G-A. GRCh37 (hg19) VCF-style: chr6-107031199-G-A.
Other names: c.783+4C>T (NM_001318746.1).
Identifiers: ClinVar variation 1915184 (VCV001915184.5), dbSNP rs116072691, ClinGen allele CA3944292.